The following is an entry in ClinVar:

ClinVar aggregate classification (germline): Uncertain significance. Review status: reviewed by expert panel (3 of 4 stars). 6 submissions from 6 submitters: Uncertain significance (1). 5 of the submissions do not count toward it. Last evaluated 2023-10-17.

Conditions:
Glanzmann thrombasthenia. Also called: THROMBASTHENIA OF GLANZMANN AND NAEGELI; Thrombasthenia; Glanzmann's thrombasthenia; PLATELET GLYCOPROTEIN IIb-IIIa DEFICIENCY. Identifiers: Orphanet 849, MedGen C0040015, MONDO:0100326.
ITGA2B-related disorder. Also called: ITGA2B-related condition; ITGA2B-related disorders.
Glanzmann thrombasthenia 1 (GT1). Also called: GP IIb-IIIa COMPLEX DEFICIENCY; GLYCOPROTEIN COMPLEX IIb-IIIa DEFICIENCY; PLATELET FIBRINOGEN RECEPTOR DEFICIENCY; BLEEDING DISORDER, PLATELET-TYPE, 2. Identifiers: MedGen CN300358, MONDO:0031332, OMIM 273800.

Allele frequency attached by ClinVar (database versions not stated): gnomAD exomes 0.00001; TOPMed 0.00003; ESP Exome Variant Server 0.00008.
gnomAD v4.1: 15 of 1,613,844 alleles (0.00093%); highest among the groups gnomAD compares: Admixed American, 0.0033%; no homozygotes.

Submissions (6):

ClinGen Platelet Disorders Variant Curation Expert Panel, ClinGen
Classification: Uncertain significance for Glanzmann thrombasthenia. Last evaluated: 2023-10-17. Review status: reviewed by expert panel. Criteria: ClinGen Platelet ACMG Specifications v2-1. Collection method: curation. Allele origin: germline. Inheritance: Autosomal recessive inheritance.
Comment: The c.2504C>T variant in ITGA2B is a missense variant predicted to cause substitution of Proline by Leucine at amino acid 835 (p.Pro835Leu). The highest population minor allele frequency in gnomAD v2.1.1 is 0.00002900 (1/34480 alleles) in the Latino/Admixed American population, which is lower than the ClinGen PD VCEP threshold (<0.0001; PM2_Supporting). The computational predictor REVEL gives a score of 0.763, which is above the ClinGen PD VCEP threshold of >0.7 and predicts a damaging effect on function (PP3). This variant was observed by Illumina as part of a predisposition screen in an ostensibly healthy population, however, no cases of the variant segregating with Glanzmann thrombasthenia were found in the literature. In summary, this variant meets the criteria to be classified as Uncertain significance - insufficient evidence for autosomal recessive Glanzmann Thrombasthenia based on the ACMG/AMP criteria applied, as specified by the ClinGen PD VCEP: PM2_Supporting and PP3 (VCEP specifications version 2).

PreventionGenetics, part of Exact Sciences
Classification: Uncertain significance for ITGA2B-related condition. Last evaluated: 2025-04-10. Review status: criteria provided, single submitter. Criteria: ACMG Guidelines, 2015. Collection method: clinical testing. Allele origin: germline. Not counted in ClinVar's aggregate classification.
Comment: The ITGA2B c.2504C>T variant is predicted to result in the amino acid substitution p.Pro835Leu. This variant was reported in an individual with in the GDX autism cohort (Supplementary Table 1, Kaplanis et al. 2020. PubMed ID: 33057194; Supplementary Table 3, Zhou et al. 2022. PubMed ID: 35982159), but to our knowledge, has not been reported in the literature in individuals with ITGA2B-related disease. This variant is reported in 0.0029% of alleles in individuals of Latino descent in gnomAD. At this time, the clinical significance of this variant is uncertain due to the absence of conclusive functional and genetic evidence.

Genomic Medicine Center of Excellence, King Faisal Specialist Hospital and Research Centre
Classification: Likely pathogenic for Glanzmann thrombasthenia 1. Last evaluated: 2024-12-18. Review status: criteria provided, single submitter. Criteria: ACMG Guidelines, 2015. Collection method: clinical testing. Allele origin: germline. Not counted in ClinVar's aggregate classification.

Blueprint Genetics
Classification: Uncertain significance. Last evaluated: 2024-08-20. Review status: criteria provided, single submitter. Criteria: ACMG Guidelines, 2015. Collection method: clinical testing. Allele origin: germline. Not counted in ClinVar's aggregate classification.

Labcorp Genetics (formerly Invitae), Labcorp
Classification: Uncertain significance for Glanzmann thrombasthenia. Last evaluated: 2023-02-16. Review status: criteria provided, single submitter. Criteria: Invitae Variant Classification Sherloc (09022015). Collection method: clinical testing. Allele origin: germline. Not counted in ClinVar's aggregate classification.
Comment: This sequence change replaces proline, which is neutral and non-polar, with leucine, which is neutral and non-polar, at codon 835 of the ITGA2B protein (p.Pro835Leu). This variant is present in population databases (rs369457651, gnomAD 0.003%). In summary, the available evidence is currently insufficient to determine the role of this variant in disease. Therefore, it has been classified as a Variant of Uncertain Significance. Advanced modeling of protein sequence and biophysical properties (such as structural, functional, and spatial information, amino acid conservation, physicochemical variation, residue mobility, and thermodynamic stability) has been performed at Invitae for this missense variant, however the output from this modeling did not meet the statistical confidence thresholds required to predict the impact of this variant on ITGA2B protein function. ClinVar contains an entry for this variant (Variation ID: 888825). This variant has not been reported in the literature in individuals affected with ITGA2B-related conditions.

Illumina Laboratory Services, Illumina
Classification: Uncertain significance for Glanzmann thrombasthenia 1. Last evaluated: 2018-01-13. Review status: criteria provided, single submitter. Criteria: ICSL Variant Classification Criteria 13 December 2019. Collection method: clinical testing. Allele origin: germline. Not counted in ClinVar's aggregate classification.

NM_000419.5(ITGA2B):c.2504C>T (p.Pro835Leu)

Gene: ITGA2B (integrin subunit alpha 2b; minus strand). Cytogenetic location: 17q21.31.
Variant type: single nucleotide variant.
Coding change: c.2504C>T on transcript NM_000419.5 (MANE Select); coding-DNA position 2504, C replaced by T.
Protein change: p.Pro835Leu; replaces proline 835 with leucine.
Molecular consequence: missense variant.
Genome position (GRCh38, 1-based): chr17:44,375,930, G>A on the plus strand (C>T on the coding strand, the complement: ITGA2B is on the minus strand). VCF-style: chr17-44375930-G-A. GRCh37 (hg19) VCF-style: chr17-42453298-G-A.
Other names: NM_000419.5(ITGA2B):c.2504C>T; p.Pro835Leu; c.2504C>T (NM_000419.4); short protein forms P835L.
Identifiers: ClinVar variation 888825 (VCV000888825.10), dbSNP rs369457651, ClinGen allele CA8602664.